The following is an entry in ClinVar:

NM_001363711.2(DUOX2):c.152G>C (p.Gly51Ala)

Gene: DUOX2 (dual oxidase 2; minus strand). Cytogenetic location: 15q21.1.
Variant type: single nucleotide variant.
Coding change: c.152G>C on transcript NM_001363711.2 (MANE Select); coding-DNA position 152, G replaced by C.
Protein change: p.Gly51Ala; replaces glycine 51 with alanine.
Molecular consequence: missense variant.
Genome position (GRCh38, 1-based): chr15:45,112,995, C>G on the plus strand (G>C on the coding strand, the complement: DUOX2 is on the minus strand). VCF-style: chr15-45112995-C-G. GRCh37 (hg19) VCF-style: chr15-45405193-C-G.
Other names: c.152G>C, p.Gly51Ala (NM_014080.5); short protein forms G51A.
Identifiers: ClinVar variation 2868171 (VCV002868171.3), dbSNP rs1237752365, ClinGen allele CA392280045.

ClinVar aggregate classification (germline): Uncertain significance (1 of 4 stars; one submission).

gnomAD v4.1: 2 of 1,613,610 alleles (0.00012%); highest among the groups gnomAD compares: African/African-American, 0.0027%; no homozygotes.

Submission:

Labcorp Genetics (formerly Invitae), Labcorp
Classification: Uncertain significance. Last evaluated: 2025-06-11. Review status: criteria provided, single submitter. Criteria: Invitae Variant Classification Sherloc (09022015). Collection method: clinical testing. Allele origin: germline.
Comment: This sequence change replaces glycine, which is neutral and non-polar, with alanine, which is neutral and non-polar, at codon 51 of the DUOX2 protein (p.Gly51Ala). This variant is not present in population databases (gnomAD no frequency). This variant has not been reported in the literature in individuals affected with DUOX2-related conditions. ClinVar contains an entry for this variant (Variation ID: 2868171). Invitae Evidence Modeling of protein sequence and biophysical properties (such as structural, functional, and spatial information, amino acid conservation, physicochemical variation, residue mobility, and thermodynamic stability) indicates that this missense variant is expected to disrupt DUOX2 protein function with a positive predictive value of 80%. In summary, the available evidence is currently insufficient to determine the role of this variant in disease. Therefore, it has been classified as a Variant of Uncertain Significance.